The following is an entry in ClinVar:

ClinVar aggregate classification (germline): Uncertain significance (1 of 4 stars; one submission).

gnomAD v4.1: 2 of 1,551,294 alleles (0.00013%); highest among the groups gnomAD compares: Admixed American, 0.002%; no homozygotes.

Submission:

Labcorp Genetics (formerly Invitae), Labcorp
Classification: Uncertain significance. Last evaluated: 2024-05-06. Review status: criteria provided, single submitter. Criteria: Invitae Variant Classification Sherloc (09022015). Collection method: clinical testing. Allele origin: germline.
Comment: This sequence change replaces leucine, which is neutral and non-polar, with proline, which is neutral and non-polar, at codon 1603 of the GREB1L protein (p.Leu1603Pro). This variant is not present in population databases (gnomAD no frequency). This variant has not been reported in the literature in individuals affected with GREB1L-related conditions. An algorithm developed to predict the effect of missense changes on protein structure and function (PolyPhen-2) suggests that this variant is likely to be disruptive. In summary, the available evidence is currently insufficient to determine the role of this variant in disease. Therefore, it has been classified as a Variant of Uncertain Significance.

NM_001142966.3(GREB1L):c.4808T>C (p.Leu1603Pro)

Gene: GREB1L (GREB1 like retinoic acid receptor coactivator; plus strand). Cytogenetic location: 18q11.2.
Variant type: single nucleotide variant.
Coding change: c.4808T>C on transcript NM_001142966.3 (MANE Select); coding-DNA position 4808, T replaced by C.
Protein change: p.Leu1603Pro; replaces leucine 1603 with proline.
Molecular consequence: missense variant.
Genome position (GRCh38, 1-based): chr18:21,513,893, T>C. VCF-style: chr18-21513893-T-C. GRCh37 (hg19) VCF-style: chr18-19093854-T-C.
Other names: c.4937T>C, p.Leu1646Pro (NM_001410867.1); c.4481T>C, p.Leu1494Pro (NM_001410868.1); short protein forms L1494P, L1603P, L1646P.
Identifiers: ClinVar variation 3605161 (VCV003605161.2).